The following is an entry in ClinVar:

NM_001845.6(COL4A1):c.1990+4C>T

Gene: COL4A1 (collagen type IV alpha 1 chain; minus strand). Cytogenetic location: 13q34.
Variant type: single nucleotide variant.
Coding change: c.1990+4C>T on transcript NM_001845.6 (MANE Select); 4 bases into the intron after coding-DNA position 1990, C replaced by T.
Molecular consequence: intron variant.
Genome position (GRCh38, 1-based): chr13:110,183,180, G>A on the plus strand (C>T on the coding strand, the complement: COL4A1 is on the minus strand). VCF-style: chr13-110183180-G-A. GRCh37 (hg19) VCF-style: chr13-110835527-G-A.
Other names: c.1990+4C>T (NM_001845.5).
Identifiers: ClinVar variation 1416007 (VCV001416007.36), dbSNP rs771634502, ClinGen allele CA7047765.

ClinVar aggregate classification (germline): Conflicting classifications of pathogenicity. Review status: criteria provided, conflicting classifications (1 of 4 stars). 4 submissions from 4 submitters: Uncertain significance (1); Likely benign (3). Last evaluated 2025-09-05.

Conditions:
COL4A1-related disorder. Also called: COL4A1-related disorders; COL4A1-related condition. Identifiers: MedGen CN376119, MONDO:0800461.
Autosomal dominant familial hematuria-retinal arteriolar tortuosity-contractures syndrome. Also called: Hereditary Angiopathy with Nephropathy, Aneurysms, and Muscle Cramps (HANAC) Syndrome; Angiopathy, hereditary, with nephropathy, aneurysms, and muscle cramps. Identifiers: Orphanet 73229, MedGen C2673195, MONDO:0012726, OMIM 611773.
Hemorrhage, intracerebral, susceptibility to (ICH). Also called: Stroke, hemorrhagic, susceptibility to. Identifiers: MedGen C3281105, MONDO:0100533, OMIM 614519.
Retinal arterial tortuosity. Also called: RETINAL HEMORRHAGE WITH VASCULAR TORTUOSITY; Retinal arteries, tortuosity of. Identifiers: Orphanet 75326, MedGen C0423401, MONDO:0008373, OMIM 180000, HP:0000631.
Brain small vessel disease 1 with or without ocular anomalies (BSVD1). Also called: Brain small vessel disease with or without ocular anomalies; PORENCEPHALY, TYPE 1, AUTOSOMAL DOMINANT; BRAIN SMALL VESSEL DISEASE WITH HEMORRHAGE; GOULD SYNDROME 1. Identifiers: Orphanet 2940, Orphanet 36383, Orphanet 99810, MedGen C4755307, MONDO:0008289, OMIM 175780.
Microangiopathy and leukoencephalopathy, pontine, autosomal dominant. Also called: DEMENTIA, HEREDITARY MULTI-INFARCT, SWEDISH TYPE; Pontine autosomal dominant microangiopathy with leukoencephalopathy. Identifiers: Orphanet 477749, MedGen C5231411, MONDO:0032814, OMIM 618564.

Allele frequency attached by ClinVar (database versions not stated): gnomAD 0.00002; gnomAD exomes 0.00002 and 0.00003; TOPMed 0.00002; ExAC 0.00004.
gnomAD v4.1: 42 of 1,613,662 alleles (0.0026%); highest among the groups gnomAD compares: Non-Finnish European, 0.0033%; no homozygotes.

Submissions (4):

Labcorp Genetics (formerly Invitae), Labcorp
Classification: Uncertain significance. Last evaluated: 2025-09-05. Review status: criteria provided, single submitter. Criteria: Invitae Variant Classification Sherloc (09022015). Collection method: clinical testing. Allele origin: germline.
Comment: This sequence change falls in intron 27 of the COL4A1 gene. It does not directly change the encoded amino acid sequence of the COL4A1 protein. It affects a nucleotide within the consensus splice site. This variant is present in population databases (rs771634502, gnomAD 0.004%). This variant has not been reported in the literature in individuals affected with COL4A1-related conditions. ClinVar contains an entry for this variant (Variation ID: 1416007). Variants that disrupt the consensus splice site are a relatively common cause of aberrant splicing (PMID: 17576681, 9536098). Algorithms developed to predict the effect of sequence changes on RNA splicing suggest that this variant is not likely to affect RNA splicing. In summary, the available evidence is currently insufficient to determine the role of this variant in disease. Therefore, it has been classified as a Variant of Uncertain Significance.

PreventionGenetics, part of Exact Sciences
Classification: Likely benign for COL4A1-related condition. Last evaluated: 2025-06-27. Review status: criteria provided, single submitter. Criteria: ACMG Guidelines, 2015. Collection method: clinical testing. Allele origin: germline.
Comment: This variant is classified as likely benign based on ACMG/AMP sequence variant interpretation guidelines (Richards et al. 2015 PMID: 25741868, with internal and published modifications).

Fulgent Genetics
Classification: Likely benign for Brain small vessel disease 1 with or without ocular anomalies; Retinal arterial tortuosity; Autosomal dominant familial hematuria-retinal arteriolar tortuosity-contractures syndrome; Hemorrhage, intracerebral, susceptibility to; Microangiopathy and leukoencephalopathy, pontine, autosomal dominant. Last evaluated: 2024-06-13. Review status: criteria provided, single submitter. Criteria: ACMG Guidelines, 2015. Collection method: clinical testing. Allele origin: germline.

CeGaT Center for Human Genetics Tuebingen
Classification: Likely benign. Last evaluated: 2023-04-01. Review status: criteria provided, single submitter. Criteria: CeGaT Center For Human Genetics Tuebingen Variant Classification Criteria Version 2. Collection method: clinical testing. Allele origin: germline. Affected: yes. Observed: 2 variant alleles.
Comment: COL4A1: BP4

Literature cited by the submitters: PubMed 17576681 (cited by Labcorp Genetics (formerly Invitae), Labcorp); PubMed 9536098 (cited by Labcorp Genetics (formerly Invitae), Labcorp).